The following is an entry in ClinVar:

NM_198239.2(CCN6):c.648G>C (p.Trp216Cys)

Gene: CCN6 (cellular communication network factor 6; plus strand). Cytogenetic location: 6q21.
Variant type: single nucleotide variant.
Coding change: c.648G>C on transcript NM_198239.2 (MANE Select); coding-DNA position 648, G replaced by C.
Protein change: p.Trp216Cys; replaces tryptophan 216 with cysteine.
Molecular consequence: missense variant. On other transcripts: non-coding transcript variant (2).
Genome position (GRCh38, 1-based): chr6:112,068,263, G>C. VCF-style: chr6-112068263-G-C. GRCh37 (hg19) VCF-style: chr6-112389466-G-C.
Other names: c.648G>C, p.Trp216Cys (NM_003880.4); short protein forms W216C.
Identifiers: ClinVar variation 1006632 (VCV001006632.7), dbSNP rs781860587, ClinGen allele CA3964074.
Genomic context (GRCh38, chr6:112,068,263, plus strand): 5'-AGCTTATAGAAATCTCCCACTTATTTGGAAAAAAAAATGTCTTGTGCAAGCAACAAAATG[G>C]ACTCCCTGCTCCAGAACATGTGGGATGGGAATATCTAACAGGGTGACCAATGAAAACAGC-3'
Protein context (NP_937882.2, residues 206-226): KKKCLVQATK[Trp216Cys]TPCSRTCGMG

ClinVar aggregate classification (germline): Uncertain significance (1 of 4 stars; one submission).

Allele frequency attached by ClinVar (database versions not stated): ExAC 0.00001; gnomAD 0.00001; TOPMed below 0.00001; gnomAD exomes 0.00001.
gnomAD v4.1: 20 of 1,610,654 alleles (0.0012%); highest among the groups gnomAD compares: Non-Finnish European, 0.0017%; no homozygotes.

Submission:

Labcorp Genetics (formerly Invitae), Labcorp
Classification: Uncertain significance. Last evaluated: 2022-06-16. Review status: criteria provided, single submitter. Criteria: Invitae Variant Classification Sherloc (09022015). Collection method: clinical testing. Allele origin: germline.
Comment: This sequence change replaces tryptophan, which is neutral and slightly polar, with cysteine, which is neutral and slightly polar, at codon 216 of the WISP3 protein (p.Trp216Cys). This variant is present in population databases (rs781860587, gnomAD 0.003%). This variant has not been reported in the literature in individuals affected with WISP3-related conditions. ClinVar contains an entry for this variant (Variation ID: 1006632). Algorithms developed to predict the effect of missense changes on protein structure and function are either unavailable or do not agree on the potential impact of this missense change (SIFT: "Deleterious"; PolyPhen-2: "Probably Damaging"; Align-GVGD: "Class C0"). In summary, the available evidence is currently insufficient to determine the role of this variant in disease. Therefore, it has been classified as a Variant of Uncertain Significance.